The following is an entry in ClinVar:

NM_005902.4(SMAD3):c.601G>T (p.Asp201Tyr)

Gene: SMAD3 (SMAD family member 3; plus strand). Cytogenetic location: 15q22.33.
Variant type: single nucleotide variant.
Coding change: c.601G>T on transcript NM_005902.4 (MANE Select); coding-DNA position 601, G replaced by T.
Protein change: p.Asp201Tyr; replaces aspartic acid 201 with tyrosine.
Molecular consequence: missense variant.
Genome position (GRCh38, 1-based): chr15:67,166,847, G>T. VCF-style: chr15-67166847-G-T. GRCh37 (hg19) VCF-style: chr15-67459185-G-T.
Other names: c.286G>T, p.Asp96Tyr (NM_001145102.2); c.469G>T, p.Asp157Tyr (NM_001145103.2); c.16G>T, p.Asp6Tyr (NM_001145104.2); short protein forms D157Y, D96Y, D201Y, D6Y.
Identifiers: ClinVar variation 1388451 (VCV001388451.7), dbSNP rs1182834384, ClinGen allele CA392954861.

ClinVar aggregate classification (germline): Uncertain significance. Review status: criteria provided, multiple submitters, no conflicts (2 of 4 stars). 2 submissions from 2 submitters: Uncertain significance (2). Last evaluated 2024-11-08.

Conditions:
Familial thoracic aortic aneurysm and aortic dissection (TAAD). Also called: Thoracic aortic aneurysms and dissections. Identifiers: Orphanet 91387, MedGen C4707243, MONDO:0019625.

Allele frequency attached by ClinVar (database versions not stated): gnomAD exomes below 0.00001.
gnomAD v4.1: 2 of 1,590,316 alleles (0.00013%); highest among the groups gnomAD compares: African/African-American, 0.0013%; no homozygotes.

Submissions (2):

Blueprint Genetics
Classification: Uncertain significance. Last evaluated: 2024-11-08. Review status: criteria provided, single submitter. Criteria: ACMG Guidelines, 2015. Collection method: clinical testing. Allele origin: germline.

Labcorp Genetics (formerly Invitae), Labcorp
Classification: Uncertain significance for Familial thoracic aortic aneurysm and aortic dissection. Last evaluated: 2022-07-19. Review status: criteria provided, single submitter. Criteria: Invitae Variant Classification Sherloc (09022015). Collection method: clinical testing. Allele origin: germline.
Comment: This sequence change replaces aspartic acid, which is acidic and polar, with tyrosine, which is neutral and polar, at codon 201 of the SMAD3 protein (p.Asp201Tyr). This variant is not present in population databases (gnomAD no frequency). This variant has not been reported in the literature in individuals affected with SMAD3-related conditions. ClinVar contains an entry for this variant (Variation ID: 1388451). Advanced modeling of protein sequence and biophysical properties (such as structural, functional, and spatial information, amino acid conservation, physicochemical variation, residue mobility, and thermodynamic stability) performed at Invitae indicates that this missense variant is not expected to disrupt SMAD3 protein function. In summary, the available evidence is currently insufficient to determine the role of this variant in disease. Therefore, it has been classified as a Variant of Uncertain Significance.